The following is an entry in ClinVar:

ClinVar aggregate classification (germline): Pathogenic (1 of 4 stars; one submission).

Submission:

Labcorp Genetics (formerly Invitae), Labcorp
Classification: Pathogenic. Last evaluated: 2019-11-18. Review status: criteria provided, single submitter. Criteria: Invitae Variant Classification Sherloc (09022015). Collection method: clinical testing. Allele origin: germline.
Comment: A gross deletion of the genomic region encompassing the full coding sequence of the CHM gene has been identified. The boundaries of this event are unknown as the deletion extends beyond the assayed region for this gene and therefore may encompass additional genes. A similar deletion has been observed in several individuals affected with choroideremia (PMID: 26133251, 7981671, 21905166, 23811034) and segregated with choroideremia in several families (PMID: 8749050, 17698759). Larger deletions involving this and neighboring genes have also been reported in families with choroideremia, deafness, and intellectual disability (PMID: 3476958). Loss-of-function variants in CHM are known to be pathogenic (PMID: 9067750, 23811034). For these reasons, this variant has been classified as Pathogenic.

Literature cited by the submitters: PubMed 21905166; PubMed 8749050; PubMed 23811034; PubMed 26133251; PubMed 17698759; PubMed 7981671; PubMed 3476958.

NC_000023.10:g.(?_85090756)_(86924394_?)del

Genes: CHM (CHM Rab escort protein; minus strand), DACH2 (dachshund family transcription factor 2; plus strand), KLHL4 (kelch like family member 4; plus strand). Cytogenetic location: Xq21.2-21.31.
Variant type: Deletion.
Identifiers: ClinVar variation 831838 (VCV000831838.1).